The following is an entry in ClinVar:

NM_015450.3(POT1):c.1381del (p.Ser461fs)

Gene: POT1 (protection of telomeres 1; minus strand). Cytogenetic location: 7q31.33.
Variant type: Deletion.
Coding change: c.1381del on transcript NM_015450.3 (MANE Select); coding-DNA position 1381, one base deleted (A; older notation c.1381delA).
Protein change: p.Ser461fs; shifts the reading frame from serine 461.
Molecular consequence: frameshift variant. On other transcripts: non-coding transcript variant (3).
Genome position (GRCh38, 1-based): chr7:124,835,403, T deleted on the plus strand (A on the coding strand, the reverse complement: POT1 is on the minus strand). VCF-style (leftmost placement, unchanged base first): chr7-124835402-CT-C. GRCh37 (hg19) VCF-style: chr7-124475456-CT-C.
Other names: c.988del, p.Ser330fs (NM_001042594.2); short protein forms S330fs, S461fs.
Identifiers: ClinVar variation 3721858 (VCV003721858.2).

ClinVar aggregate classification (germline): Pathogenic (1 of 4 stars; one submission).

Conditions:
Tumor predisposition syndrome 3 (TPDS3). Also called: Glioma susceptibility 9; LONG TELOMERE SYNDROME, POT1-RELATED; POT1 Tumor Predisposition; Melanoma, cutaneous malignant, susceptibility to, 10. Identifiers: Orphanet 618, MedGen C4014476, MONDO:0014368, OMIM 615848.

Submission:

Labcorp Genetics (formerly Invitae), Labcorp
Classification: Pathogenic for Tumor predisposition syndrome 3. Last evaluated: 2024-09-30. Review status: criteria provided, single submitter. Criteria: Invitae Variant Classification Sherloc (09022015). Collection method: clinical testing. Allele origin: germline.
Comment: This sequence change creates a premature translational stop signal (p.Ser461Valfs*13) in the POT1 gene. It is expected to result in an absent or disrupted protein product. Loss-of-function variants in POT1 are known to be pathogenic (PMID: 32155570). This variant is not present in population databases (gnomAD no frequency). This variant has not been reported in the literature in individuals affected with POT1-related conditions. For these reasons, this variant has been classified as Pathogenic.

Literature cited by the submitters: PubMed 32155570.